The following is an entry in ClinVar:

NM_014444.5(TUBGCP4):c.139C>T (p.Arg47Trp)

Gene: TUBGCP4 (tubulin gamma complex component 4; plus strand). Cytogenetic location: 15q15.3.
Variant type: single nucleotide variant.
Coding change: c.139C>T on transcript NM_014444.5 (MANE Select); coding-DNA position 139, C replaced by T.
Protein change: p.Arg47Trp; replaces arginine 47 with tryptophan.
Molecular consequence: missense variant.
Genome position (GRCh38, 1-based): chr15:43,376,158, C>T. VCF-style: chr15-43376158-C-T. GRCh37 (hg19) VCF-style: chr15-43668356-C-T.
Other names: c.139C>T, p.Arg47Trp (NM_001286414.3); c.139C>T (NM_014444.2); short protein forms R47W.
Identifiers: ClinVar variation 1014403 (VCV001014403.4), dbSNP rs368881389, ClinGen allele CA7523664.

ClinVar aggregate classification (germline): Uncertain significance. Review status: criteria provided, multiple submitters, no conflicts (2 of 4 stars). 2 submissions from 2 submitters: Uncertain significance (2). Last evaluated 2024-01-03.

Conditions:
Inborn genetic diseases. Identifiers: MedGen C0950123, MeSH D030342.

Allele frequency attached by ClinVar (database versions not stated): gnomAD exomes 0.00001 and 0.00003; ExAC 0.00002; TOPMed 0.00002; gnomAD 0.00003; ESP Exome Variant Server 0.00008.

Submissions (2):

Ambry Genetics
Classification: Uncertain significance for Inborn genetic diseases. Last evaluated: 2024-01-03. Review status: criteria provided, single submitter. Criteria: Ambry Variant Classification Scheme 2023. Collection method: clinical testing. Allele origin: germline.

Labcorp Genetics (formerly Invitae), Labcorp
Classification: Uncertain significance. Last evaluated: 2022-09-06. Review status: criteria provided, single submitter. Criteria: Invitae Variant Classification Sherloc (09022015). Collection method: clinical testing. Allele origin: germline.
Comment: This sequence change replaces arginine, which is basic and polar, with tryptophan, which is neutral and slightly polar, at codon 47 of the TUBGCP4 protein (p.Arg47Trp). This variant is present in population databases (rs368881389, gnomAD 0.01%). This variant has not been reported in the literature in individuals affected with TUBGCP4-related conditions. ClinVar contains an entry for this variant (Variation ID: 1014403). Algorithms developed to predict the effect of missense changes on protein structure and function (SIFT, PolyPhen-2, Align-GVGD) all suggest that this variant is likely to be disruptive. In summary, the available evidence is currently insufficient to determine the role of this variant in disease. Therefore, it has been classified as a Variant of Uncertain Significance.